The following is an entry in ClinVar:

ClinVar aggregate classification (germline): Pathogenic/Likely pathogenic. Review status: criteria provided, multiple submitters, no conflicts (2 of 4 stars). 3 submissions from 3 submitters: Pathogenic (1); Likely pathogenic (1). 1 of the submissions does not count toward it. Last evaluated 2025-03-27.

Conditions:
AVPR2-related disorder. Also called: AVPR2-related condition.
Nephrogenic diabetes insipidus. Identifiers: Orphanet 223, MedGen C0162283, MONDO:0016383, HP:0009806.
Diabetes insipidus, nephrogenic, X-linked. Also called: Nephrogenic Diabetes Insipidus, Type I. Identifiers: Orphanet 223, MedGen C1563705, MONDO:0010581, OMIM 304800.

Submissions (3):

Rady Children's Institute for Genomic Medicine, Rady Children's Hospital San Diego
Classification: Likely pathogenic for AVPR2-related disorders. Last evaluated: 2025-03-27. Review status: criteria provided, single submitter. Criteria: ACMG Guidelines, 2015. Collection method: clinical testing. Allele origin: germline. Affected: yes.
Comment: Missense variation is an established mechanism of disease for AVPR2-related disorders (PMID: 20301356). This variant has been previously reported as a hemizygous change in patients with nephrogenic diabetes insipidus (PMID: 1303271, 8704106, 9402087). The variant co-segregates with disease in families (PMID: 1303271). The c.614A>G (p.Tyr205Cys) variant is located in a mutational hotspot for pathogenic variations associated with nephrogenic diabetes insipidus (PMID: 15841479). The c.614A>G (p.Tyr205Cys) variant affects a highly conserved amino acid; however, in silico tools used to predict the effect of this variant on protein function yield discordant results. Functional studies demonstrated that the c.614A>G (p.Tyr205Cys) variant leads to impaired binding affinity (PMID: 8704106, 9853256). The c.614A>G (p.Tyr205Cys) variant is absent from the latest version of the gnomAD population database and thus is presumed to be rare. Based on the available evidence, c.614A>G (p.Tyr205Cys) is classified as Likely Pathogenic.

Women's Health and Genetics/Laboratory Corporation of America, LabCorp
Classification: Pathogenic for Nephrogenic Diabetes Insipidus. Last evaluated: 2011-08-18. Review status: criteria provided, single submitter. Criteria: LabCorp Variant Classification Summary - May 2015. Collection method: curation, clinical testing. Allele origin: germline. Inheritance: Xlinked recessive. Affected: yes. Observed: 5 variant alleles.
ClinVar note: Converted during submission from pathogenic to Pathogenic.

OMIM
Classification: Pathogenic for DIABETES INSIPIDUS, NEPHROGENIC, 1, X-LINKED. Last evaluated: 1992-10-01. Review status: no assertion criteria provided. Collection method: literature only. Allele origin: germline. Not counted in ClinVar's aggregate classification.

Literature cited by the submitters: PubMed 20301356 (cited by Rady Children's Institute for Genomic Medicine, Rady Children's Hospital San Diego); PubMed 1303271 (cited by 3 submitters); PubMed 8704106 (cited by Rady Children's Institute for Genomic Medicine, Rady Children's Hospital San Diego and Women's Health and Genetics/Laboratory Corporation of America, LabCorp); PubMed 9402087 (cited by Rady Children's Institute for Genomic Medicine, Rady Children's Hospital San Diego and Women's Health and Genetics/Laboratory Corporation of America, LabCorp); PubMed 15841479 (cited by Rady Children's Institute for Genomic Medicine, Rady Children's Hospital San Diego and Women's Health and Genetics/Laboratory Corporation of America, LabCorp); PubMed 9853256 (cited by Rady Children's Institute for Genomic Medicine, Rady Children's Hospital San Diego); PubMed 10770218 (cited by Women's Health and Genetics/Laboratory Corporation of America, LabCorp); PubMed 1303257 (cited by Women's Health and Genetics/Laboratory Corporation of America, LabCorp); PubMed 7833930 (cited by Women's Health and Genetics/Laboratory Corporation of America, LabCorp); PubMed 17216256 (cited by Women's Health and Genetics/Laboratory Corporation of America, LabCorp); PubMed 11128419 (cited by Women's Health and Genetics/Laboratory Corporation of America, LabCorp); PubMed 7913579 (cited by Women's Health and Genetics/Laboratory Corporation of America, LabCorp); PubMed 8401502 (cited by Women's Health and Genetics/Laboratory Corporation of America, LabCorp); PubMed 8766931 (cited by Women's Health and Genetics/Laboratory Corporation of America, LabCorp); PubMed 9452109 (cited by Women's Health and Genetics/Laboratory Corporation of America, LabCorp); PubMed 10026829 (cited by Women's Health and Genetics/Laboratory Corporation of America, LabCorp); PubMed 15522100 (cited by Women's Health and Genetics/Laboratory Corporation of America, LabCorp); PubMed 17491025 (cited by Women's Health and Genetics/Laboratory Corporation of America, LabCorp).

NM_000054.7(AVPR2):c.614A>G (p.Tyr205Cys)

Gene: AVPR2 (arginine vasopressin receptor 2; plus strand). Cytogenetic location: Xq28.
Variant type: single nucleotide variant.
Coding change: c.614A>G on transcript NM_000054.7 (MANE Select); coding-DNA position 614, A replaced by G.
Protein change: p.Tyr205Cys; replaces tyrosine 205 with cysteine.
Molecular consequence: missense variant. On other transcripts: non-coding transcript variant (1).
Genome position (GRCh38, 1-based): chrX:153,906,120, A>G. VCF-style: chrX-153906120-A-G. GRCh37 (hg19) VCF-style: chrX-153171574-A-G.
Other names: c.614A>G, p.Tyr205Cys (NM_001146151.3); short protein forms Y205C.
Identifiers: ClinVar variation 10838 (VCV000010838.5), dbSNP rs104894749, ClinGen allele CA255565.